The following is an entry in ClinVar:

ClinVar aggregate classification (germline): Conflicting classifications of pathogenicity. Review status: criteria provided, conflicting classifications (1 of 4 stars). 6 submissions from 6 submitters: Uncertain significance (1); Benign (1); Likely benign (4). Last evaluated 2025-01-30.

Conditions:
Hereditary nonpolyposis colorectal neoplasms. Identifiers: MedGen C0009405, MeSH D003123.
Hereditary cancer-predisposing syndrome. Also called: Hereditary Cancer Syndrome; Tumor predisposition; Neoplastic Syndromes, Hereditary; Hereditary neoplastic syndrome. Identifiers: Orphanet 140162, MedGen C0027672, MeSH D009386, MONDO:0015356.
Lynch syndrome. Identifiers: Orphanet 144, MedGen C4552100, MONDO:0005835. Disease mechanism: loss of function.
Lynch syndrome 4 (LYNCH4). Also called: Colorectal cancer, hereditary nonpolyposis, type 4; Hereditary non-polyposis colorectal cancer, type 4. Identifiers: Orphanet 144, MedGen C1838333, MONDO:0013699, OMIM 614337. Disease mechanism: loss of function.

Allele frequency attached by ClinVar (database versions not stated): gnomAD exomes 0.00003; gnomAD 0.00004 and 0.00005.
gnomAD v4.1: 49 of 1,613,372 alleles (0.003%); highest among the groups gnomAD compares: South Asian, 0.033%; no homozygotes.

Submissions (6):

Myriad Genetics, Inc.
Classification: Benign for Lynch syndrome 4. Last evaluated: 2025-01-30. Review status: criteria provided, single submitter. Criteria: Myriad Autosomal Dominant, Autosomal Recessive and X-Linked Classification Criteria (2023). Collection method: clinical testing. Allele origin: unknown.
Comment: This variant is considered benign. This variant is a silent/synonymous amino acid change and it is not expected to impact splicing.

Blueprint Genetics
Classification: Likely benign. Last evaluated: 2024-11-27. Review status: criteria provided, single submitter. Criteria: ACMG Guidelines, 2015. Collection method: clinical testing. Allele origin: germline.

CeGaT Center for Human Genetics Tuebingen
Classification: Likely benign. Last evaluated: 2024-07-01. Review status: criteria provided, single submitter. Criteria: CeGaT Center For Human Genetics Tuebingen Variant Classification Criteria Version 2. Collection method: clinical testing. Allele origin: germline. Affected: yes. Observed: 1 variant allele.
Comment: PMS2: BP4, BP7

All of Us Research Program, National Institutes of Health
Classification: Likely benign for Lynch syndrome. Last evaluated: 2024-02-05. Review status: criteria provided, single submitter. Criteria: ACMG Guidelines, 2015. Collection method: clinical testing. Allele origin: germline. Inheritance: Autosomal dominant inheritance. Observed: 10 variant alleles, 10 heterozygotes.
Comment: This study involves interpretation of variants in research participants for the purpose of population health screening. Participant phenotype was not available at the time of variant classification. Additional details can be found in publication PMID: 35346344, PMCID: PMC8962531

Ambry Genetics
Classification: Likely benign for Hereditary cancer-predisposing syndrome. Last evaluated: 2022-02-22. Review status: criteria provided, single submitter. Criteria: Ambry Variant Classification Scheme 2023. Collection method: clinical testing. Allele origin: germline.

Labcorp Genetics (formerly Invitae), Labcorp
Classification: Uncertain significance for Hereditary nonpolyposis colorectal neoplasms. Last evaluated: 2021-08-12. Review status: criteria provided, single submitter. Criteria: Invitae Variant Classification Sherloc (09022015). Collection method: clinical testing. Allele origin: germline.

NM_000535.7(PMS2):c.1239A>G (p.Lys413=)

Gene: PMS2 (PMS1 homolog 2, mismatch repair system component; minus strand). Cytogenetic location: 7p22.1.
Variant type: single nucleotide variant.
Coding change: c.1239A>G on transcript NM_000535.7 (MANE Select); coding-DNA position 1239, A replaced by G.
Protein change: p.Lys413=; no amino-acid change (lysine 413 retained).
Molecular consequence: synonymous variant. On other transcripts: non-coding transcript variant (1).
Genome position (GRCh38, 1-based): chr7:5,987,526, T>C on the plus strand (A>G on the coding strand, the complement: PMS2 is on the minus strand). VCF-style: chr7-5987526-T-C. GRCh37 (hg19) VCF-style: chr7-6027157-T-C.
Other names: c.834A>G, p.Lys278= (NM_001322003.2, NM_001322004.2, NM_001322005.2 and 1 more transcripts); c.1083A>G, p.Lys361= (NM_001322006.2); c.921A>G, p.Lys307= (NM_001322007.2, NM_001322008.2); c.678A>G, p.Lys226= (NM_001322010.2); c.306A>G, p.Lys102= (NM_001322011.2, NM_001322012.2); c.666A>G, p.Lys222= (NM_001322013.2); c.1239A>G, p.Lys413= (NM_001322014.2); c.930A>G, p.Lys310= (NM_001322015.2).
Identifiers: ClinVar variation 1405851 (VCV001405851.24), dbSNP rs1244752544, ClinGen allele CA453748343.